The following is an entry in ClinVar:

ClinVar aggregate classification (germline): Uncertain significance (1 of 4 stars; one submission).

gnomAD v4.1: 3 of 1,603,452 alleles (0.00019%); highest among the groups gnomAD compares: East Asian, 0.0023%; no homozygotes.

Submission:

GeneDx
Classification: Uncertain significance. Last evaluated: 2025-05-08. Review status: criteria provided, single submitter. Criteria: GeneDx Variant Classification Process June 2021. Collection method: clinical testing. Allele origin: germline. Affected: yes.
Comment: Not observed at significant frequency in large population cohorts (gnomAD); In silico analysis supports that this missense variant has a deleterious effect on protein structure/function; In silico analysis suggests this variant may impact gene splicing. In the absence of RNA/functional studies, the actual effect of this sequence change is unknown.; Has not been previously published as pathogenic or benign to our knowledge

NM_005876.5(SPEG):c.944G>A (p.Arg315Gln)

Gene: SPEG (striated muscle enriched protein kinase; plus strand). Cytogenetic location: 2q35.
Variant type: single nucleotide variant.
Coding change: c.944G>A on transcript NM_005876.5 (MANE Select); coding-DNA position 944, G replaced by A.
Protein change: p.Arg315Gln; replaces arginine 315 with glutamine.
Molecular consequence: missense variant.
Genome position (GRCh38, 1-based): chr2:219,448,102, G>A. VCF-style: chr2-219448102-G-A. GRCh37 (hg19) VCF-style: chr2-220312824-G-A.
Other names: c.485G>A, p.Arg162Gln (NM_001438933.1, NM_001438928.1); c.455G>A, p.Arg152Gln (NM_001438934.1, NM_001438930.1); c.974G>A, p.Arg325Gln (NM_001438924.1); c.767G>A, p.Arg256Gln (NM_001438925.1); c.662G>A, p.Arg221Gln (NM_001438926.1, NM_001438929.1); c.632G>A, p.Arg211Gln (NM_001438927.1); c.605G>A, p.Arg202Gln (NM_001438931.1); c.398G>A, p.Arg133Gln (NM_001438932.1); short protein forms R133Q, R152Q, R162Q, R202Q, R211Q, R221Q, R256Q, R315Q.
Identifiers: ClinVar variation 4527999 (VCV004527999.1).